The following is an entry in ClinVar:

ClinVar aggregate classification (germline): Likely benign. Review status: criteria provided, multiple submitters, no conflicts (2 of 4 stars). 3 submissions from 3 submitters: Likely benign (3). Last evaluated 2025-02-15.

Conditions:
Stormorken syndrome (STRMK). Also called: THROMBOCYTOPATHY, ASPLENIA, AND MIOSIS. Identifiers: Orphanet 3204, MedGen C1861451, MONDO:0008497, OMIM 185070.
Combined immunodeficiency due to STIM1 deficiency. Also called: STIM1 DEFICIENCY; IMMUNODEFICIENCY 10. Identifiers: Orphanet 169090, Orphanet 317430, MedGen C2748557, MONDO:0013008, OMIM 612783.
Myopathy with tubular aggregates (TAM). Also called: Tubular Aggregate Myopathy. Identifiers: Orphanet 2593, MedGen C0410207, MONDO:0008051.

Allele frequency attached by ClinVar (database versions not stated): TOPMed below 0.00001; gnomAD 0.00001; gnomAD exomes 0.00001.
gnomAD v4.1: 11 of 1,613,082 alleles (0.00068%); highest among the groups gnomAD compares: Middle Eastern, 0.05%; no homozygotes.

Submissions (3):

Labcorp Genetics (formerly Invitae), Labcorp
Classification: Likely benign for Myopathy with tubular aggregates; Combined immunodeficiency due to STIM1 deficiency; Stormorken syndrome. Last evaluated: 2025-02-15. Review status: criteria provided, single submitter. Criteria: Invitae Variant Classification Sherloc (09022015). Collection method: clinical testing. Allele origin: germline.

Blueprint Genetics
Classification: Likely benign. Last evaluated: 2023-11-23. Review status: criteria provided, single submitter. Criteria: ACMG Guidelines, 2015. Collection method: clinical testing. Allele origin: germline.

Women's Health and Genetics/Laboratory Corporation of America, LabCorp
Classification: Likely benign. Last evaluated: 2023-08-22. Review status: criteria provided, single submitter. Criteria: LabCorp Variant Classification Summary - May 2015. Collection method: clinical testing. Allele origin: germline.
Comment: Variant summary: STIM1 c.1138-11C>T alters a non-conserved nucleotide located at a position not widely known to affect splicing. 4/4 computational tools predict no significant impact on normal splicing. However, these predictions have yet to be confirmed by functional studies. The variant was absent in 251290 control chromosomes. The available data on variant occurrences in the general population are insufficient to allow any conclusion about variant significance. To our knowledge, no occurrence of c.1138-11C>T in individuals affected with STIM1-Related Disorders and no experimental evidence demonstrating its impact on protein function have been reported. One submitter has cited clinical-significance assessments for this variant to ClinVar after 2014 and has classified the variant as likely benign. Based on the evidence outlined above, the variant was classified as likely benign.

NM_001382567.1(STIM1):c.1138-11C>T

Gene: STIM1 (stromal interaction molecule 1; plus strand). Cytogenetic location: 11p15.4.
Variant type: single nucleotide variant.
Coding change: c.1138-11C>T on transcript NM_001382567.1 (MANE Select); 11 bases into the intron before coding-DNA position 1138, C replaced by T.
Molecular consequence: intron variant.
Genome position (GRCh38, 1-based): chr11:4,082,871, C>T. VCF-style: chr11-4082871-C-T. GRCh37 (hg19) VCF-style: chr11-4104101-C-T.
Other names: c.1138-11C>T (NM_003156.3, NM_001382568.1, NM_001277962.2 and 2 more transcripts); c.916-11C>T (NM_001382578.1, NM_001382575.1, NM_001382576.1 and 4 more transcripts); c.649-11C>T (NM_001382580.1, NM_001382581.1); c.910-11C>T (NM_001382570.1); c.1003-11C>T (NM_001382569.1); c.658-11C>T (NM_001382571.1).
Identifiers: ClinVar variation 1630761 (VCV001630761.12), dbSNP rs2094472695, ClinGen allele CA1948975496.
Genomic context (GRCh38, chr11:4,082,871, plus strand): 5'-GGGAAGGCCTTTCTCATTTATTCCATTCTCGAATCCCTGCTCTTTTTGAGCTGGGGGCCT[C>T]ATCTTTGCAGGCTGAGAAGATAAAAAAGAAGAGAAACACACTCTTTGGCACCTTCCACGT-3'